The following is an entry in ClinVar:

ClinVar aggregate classification (germline): Uncertain significance (1 of 4 stars; one submission).

Allele frequency attached by ClinVar (database versions not stated): TOPMed below 0.00001.

Submission:

Labcorp Genetics (formerly Invitae), Labcorp
Classification: Uncertain significance. Last evaluated: 2025-07-07. Review status: criteria provided, single submitter. Criteria: Invitae Variant Classification Sherloc (09022015). Collection method: clinical testing. Allele origin: germline.
Comment: This sequence change falls in intron 14 of the SLC25A12 gene. It does not directly change the encoded amino acid sequence of the SLC25A12 protein. It affects a nucleotide within the consensus splice site. This variant is not present in population databases (gnomAD no frequency). This variant has not been reported in the literature in individuals affected with SLC25A12-related conditions. ClinVar contains an entry for this variant (Variation ID: 2023058). Variants that disrupt the consensus splice site are a relatively common cause of aberrant splicing (PMID: 17576681, 9536098). Algorithms developed to predict the effect of sequence changes on RNA splicing suggest that this variant may disrupt the consensus splice site. In summary, the available evidence is currently insufficient to determine the role of this variant in disease. Therefore, it has been classified as a Variant of Uncertain Significance.

Literature cited by the submitters: PubMed 17576681; PubMed 9536098.

NM_003705.5(SLC25A12):c.1446+6T>G

Gene: SLC25A12 (solute carrier family 25 member 12; minus strand). Cytogenetic location: 2q31.1.
Variant type: single nucleotide variant.
Coding change: c.1446+6T>G on transcript NM_003705.5 (MANE Select); 6 bases into the intron after coding-DNA position 1446, T replaced by G.
Molecular consequence: intron variant.
Genome position (GRCh38, 1-based): chr2:171,793,621, A>C on the plus strand (T>G on the coding strand, the complement: SLC25A12 is on the minus strand). VCF-style: chr2-171793621-A-C. GRCh37 (hg19) VCF-style: chr2-172650131-A-C.
Identifiers: ClinVar variation 2023058 (VCV002023058.4), dbSNP rs1683534460, ClinGen allele CA1307516868.